The following is an entry in ClinVar:

NM_198576.4(AGRN):c.1982C>T (p.Ala661Val)

Gene: AGRN (agrin; plus strand). Cytogenetic location: 1p36.33.
Variant type: single nucleotide variant.
Coding change: c.1982C>T on transcript NM_198576.4 (MANE Select); coding-DNA position 1982, C replaced by T.
Protein change: p.Ala661Val; replaces alanine 661 with valine.
Molecular consequence: missense variant.
Genome position (GRCh38, 1-based): chr1:1,044,006, C>T. VCF-style: chr1-1044006-C-T. GRCh37 (hg19) VCF-style: chr1-979386-C-T.
Other names: c.1982C>T, p.Ala661Val (NM_001305275.2); c.1667C>T, p.Ala556Val (NM_001364727.2); short protein forms A556V, A661V.
Identifiers: ClinVar variation 861846 (VCV000861846.7), dbSNP rs767255310, ClinGen allele CA508401.

ClinVar aggregate classification (germline): Uncertain significance (1 of 4 stars; one submission).

Conditions:
Congenital myasthenic syndrome 8. Also called: MYASTHENIC SYNDROME, CONGENITAL, DUE TO AGRIN DEFICIENCY; Myasthenic syndrome, congenital, 8, with pre- and postsynaptic defects. Identifiers: Orphanet 590, MedGen C3808739, MONDO:0014052, OMIM 615120.

Allele frequency attached by ClinVar (database versions not stated): gnomAD exomes 0.00001 and 0.00002; TOPMed 0.00001; ExAC 0.00002; gnomAD 0.00004 and 0.00005.
gnomAD v4.1: 18 of 1,607,966 alleles (0.0011%); highest among the groups gnomAD compares: African/African-American, 0.012%; no homozygotes.

Submission:

Labcorp Genetics (formerly Invitae), Labcorp
Classification: Uncertain significance for Congenital myasthenic syndrome 8. Last evaluated: 2022-09-29. Review status: criteria provided, single submitter. Criteria: Invitae Variant Classification Sherloc (09022015). Collection method: clinical testing. Allele origin: germline.
Comment: This sequence change replaces alanine, which is neutral and non-polar, with valine, which is neutral and non-polar, at codon 661 of the AGRN protein (p.Ala661Val). This variant is present in population databases (rs767255310, gnomAD 0.02%). This variant has not been reported in the literature in individuals affected with AGRN-related conditions. ClinVar contains an entry for this variant (Variation ID: 861846). Algorithms developed to predict the effect of missense changes on protein structure and function output the following: SIFT: "Tolerated"; PolyPhen-2: "Probably Damaging"; Align-GVGD: "Class C0". The valine amino acid residue is found in multiple mammalian species, which suggests that this missense change does not adversely affect protein function. Algorithms developed to predict the effect of sequence changes on RNA splicing suggest that this variant may create or strengthen a splice site. In summary, the available evidence is currently insufficient to determine the role of this variant in disease. Therefore, it has been classified as a Variant of Uncertain Significance.